The following is an entry in ClinVar:

NM_001197104.2(KMT2A):c.2072A>G (p.His691Arg)

Gene: KMT2A (lysine methyltransferase 2A; plus strand). Cytogenetic location: 11q23.3.
Variant type: single nucleotide variant.
Coding change: c.2072A>G on transcript NM_001197104.2 (MANE Select); coding-DNA position 2072, A replaced by G.
Protein change: p.His691Arg; replaces histidine 691 with arginine.
Molecular consequence: missense variant.
Genome position (GRCh38, 1-based): chr11:118,473,231, A>G. VCF-style: chr11-118473231-A-G. GRCh37 (hg19) VCF-style: chr11-118343946-A-G.
Other names: c.2171A>G, p.His724Arg (NM_001412597.1); c.2072A>G, p.His691Arg (NM_005933.4); short protein forms H691R, H724R.
Identifiers: ClinVar variation 2708940 (VCV002708940.3), dbSNP rs1276647519, ClinGen allele CA382812402.

ClinVar aggregate classification (germline): Uncertain significance (1 of 4 stars; one submission).

gnomAD v4.1: 3 of 1,611,894 alleles (0.00019%); highest among the groups gnomAD compares: Non-Finnish European, 0.00025%; no homozygotes.

Submission:

Labcorp Genetics (formerly Invitae), Labcorp
Classification: Uncertain significance. Last evaluated: 2024-02-11. Review status: criteria provided, single submitter. Criteria: Invitae Variant Classification Sherloc (09022015). Collection method: clinical testing. Allele origin: germline.
Comment: This sequence change replaces histidine, which is basic and polar, with arginine, which is basic and polar, at codon 691 of the KMT2A protein (p.His691Arg). This variant is not present in population databases (gnomAD no frequency). This variant has not been reported in the literature in individuals affected with KMT2A-related conditions. Advanced modeling of protein sequence and biophysical properties (such as structural, functional, and spatial information, amino acid conservation, physicochemical variation, residue mobility, and thermodynamic stability) has been performed at Invitae for this missense variant, however the output from this modeling did not meet the statistical confidence thresholds required to predict the impact of this variant on KMT2A protein function. In summary, the available evidence is currently insufficient to determine the role of this variant in disease. Therefore, it has been classified as a Variant of Uncertain Significance.